The following is an entry in ClinVar:

NM_001321120.2(TBX4):c.703-8C>T

Gene: TBX4 (T-box transcription factor 4; plus strand). Cytogenetic location: 17q23.2.
Variant type: single nucleotide variant.
Coding change: c.703-8C>T on transcript NM_001321120.2 (MANE Select); 8 bases into the intron before coding-DNA position 703, C replaced by T.
Molecular consequence: intron variant.
Genome position (GRCh38, 1-based): chr17:61,479,873, C>T. VCF-style: chr17-61479873-C-T. GRCh37 (hg19) VCF-style: chr17-59557234-C-T.
Other names: c.703-8C>T (LRG_1206t1, NM_018488.3).
Identifiers: ClinVar variation 324252 (VCV000324252.49), dbSNP rs188695560, ClinGen allele CA8689897.
Genomic context (GRCh38, chr17:61,479,873, plus strand): 5'-ACAAATGTGGAAACTGAGACACATTTGTGTGCCTCACACTGGTGACCCTATGTGTTTTCT[C>T]CCCACAGATCACCCAGCTGAAAATTGAGAACAACCCTTTTGCCAAGGGATTCCGGGGCAG-3'

ClinVar aggregate classification (germline): Benign/Likely benign. Review status: criteria provided, multiple submitters, no conflicts (2 of 4 stars). 6 submissions from 6 submitters: Benign (2); Likely benign (2). 2 of the submissions do not count toward it. Last evaluated 2026-01-15.

Conditions:
Coxopodopatellar syndrome. Also called: Congenital coxa vara, patella aplasia and tarsal synostosis; SCOTT-TAOR SYNDROME; Small patella syndrome; ISCHIOCOXOPODOPATELLAR SYNDROME; PATELLA APLASIA, COXA VARA, AND TARSAL SYNOSTOSIS; ISCHIOCOXOPODOPATELLAR SYNDROME WITH OR WITHOUT PULMONARY ARTERIAL HYPERTENSION. Identifiers: Orphanet 1509, MedGen C1840061, MONDO:0007841, OMIM 147891.

Allele frequency attached by ClinVar (database versions not stated): ESP Exome Variant Server 0.00154; 1000 Genomes Project 0.00160; 1000 Genomes Project 30x 0.00172; gnomAD exomes 0.00173 and 0.00246; ExAC 0.00178; gnomAD 0.00195 and 0.00197; TOPMed 0.00199.
gnomAD v4.1: 3,910 of 1,614,062 alleles (0.24%); highest among the groups gnomAD compares: Non-Finnish European, 0.3%; 3 homozygotes.

Submissions (6):

Labcorp Genetics (formerly Invitae), Labcorp
Classification: Benign. Last evaluated: 2026-01-15. Review status: criteria provided, single submitter. Criteria: Invitae Variant Classification Sherloc (09022015). Collection method: clinical testing. Allele origin: germline.

Blueprint Genetics
Classification: Likely benign. Last evaluated: 2024-11-13. Review status: criteria provided, single submitter. Criteria: ACMG Guidelines, 2015. Collection method: clinical testing. Allele origin: germline.

CeGaT Center for Human Genetics Tuebingen
Classification: Likely benign. Last evaluated: 2023-11-01. Review status: criteria provided, single submitter. Criteria: CeGaT Center For Human Genetics Tuebingen Variant Classification Criteria Version 2. Collection method: clinical testing. Allele origin: germline. Affected: yes. Observed: 2 variant alleles.
Comment: TBX4: BP4, BS2

Illumina Laboratory Services, Illumina
Classification: Benign for Coxopodopatellar syndrome. Last evaluated: 2018-01-13. Review status: criteria provided, single submitter. Criteria: ICSL Variant Classification Criteria 13 December 2019. Collection method: clinical testing. Allele origin: germline.
Comment: This variant was observed in the ICSL laboratory as part of a predisposition screen in an ostensibly healthy population. It had not been previously curated by ICSL or reported in the Human Gene Mutation Database (HGMD: prior to June 1st, 2018), and was therefore a candidate for classification through an automated scoring system. Utilizing variant allele frequency, disease prevalence and penetrance estimates, and inheritance mode, an automated score was calculated to assess if this variant is too frequent to cause the disease. Based on the score and internal cut-off values, a variant classified as benign is not then subjected to further curation. The score for this variant resulted in a classification of benign for this disease.

Clinical Genetics DNA and cytogenetics Diagnostics Lab, Erasmus MC, Erasmus Medical Center
Classification: Likely benign. Review status: no assertion criteria provided. Collection method: clinical testing. Allele origin: germline. Affected: yes. Study: VKGL Data-share Consensus. Not counted in ClinVar's aggregate classification.

Laboratory of Diagnostic Genome Analysis, Leiden University Medical Center (LUMC)
Classification: Likely benign. Review status: no assertion criteria provided. Collection method: clinical testing. Allele origin: germline. Affected: yes. Study: VKGL Data-share Consensus. Not counted in ClinVar's aggregate classification.